The following is an entry in ClinVar:

NM_018325.5(C9orf72):c.*1406T>C

Gene: C9orf72 (C9orf72-SMCR8 complex subunit; minus strand). Cytogenetic location: 9p21.2.
Variant type: single nucleotide variant.
Coding change: c.*1406T>C on transcript NM_018325.5 (MANE Select); 1406 bases downstream of the stop codon, T replaced by C.
Molecular consequence: 3 prime UTR variant.
Genome position (GRCh38, 1-based): chr9:27,546,830, A>G on the plus strand (T>C on the coding strand, the complement: C9orf72 is on the minus strand). VCF-style: chr9-27546830-A-G. GRCh37 (hg19) VCF-style: chr9-27546828-A-G.
Other names: c.*1406T>C (NM_001256054.3).
Identifiers: ClinVar variation 366485 (VCV000366485.6), dbSNP rs9103, ClinGen allele CA10633422.
Genomic context (GRCh38, chr9:27,546,830, plus strand): 5'-GACTGAGCTACAGTACAACAGTCATCTAGTTCAGTGGTTGTCTAAAACATCAAGCTGTCC[A>G]CATCTTTCTGATTCATGATGGGAAAGCTATTATGACCTTTCACATTCGAACATGTCATTT-3'

ClinVar aggregate classification (germline): Benign. Review status: criteria provided, multiple submitters, no conflicts (2 of 4 stars). 2 submissions from 2 submitters: Benign (2). Last evaluated 2018-01-13.

Conditions:
Frontotemporal dementia and/or amyotrophic lateral sclerosis 1 (FTDALS1). Also called: Frontotemporal dementia with motor neuron disease 1; C9orf72 Frontotemporal Dementia and/or Amyotrophic Lateral Sclerosis. Identifiers: Orphanet 275872, MedGen C5779877, MONDO:0007105, OMIM 105550.

Allele frequency attached by ClinVar (database versions not stated): 1000 Genomes Project 0.16753; TOPMed 0.19029; gnomAD 0.20754 and 0.20796.

Submissions (2):

Illumina Laboratory Services, Illumina
Classification: Benign for Frontotemporal dementia and/or amyotrophic lateral sclerosis 1. Last evaluated: 2018-01-13. Review status: criteria provided, single submitter. Criteria: ICSL Variant Classification Criteria 13 December 2019. Collection method: clinical testing. Allele origin: germline.
Comment: This variant was observed in the ICSL laboratory as part of a predisposition screen in an ostensibly healthy population. It had not been previously curated by ICSL or reported in the Human Gene Mutation Database (HGMD: prior to June 1st, 2018), and was therefore a candidate for classification through an automated scoring system. Utilizing variant allele frequency, disease prevalence and penetrance estimates, and inheritance mode, an automated score was calculated to assess if this variant is too frequent to cause the disease. Based on the score and internal cut-off values, a variant classified as benign is not then subjected to further curation. The score for this variant resulted in a classification of benign for this disease.

Breakthrough Genomics
Classification: Benign. Review status: criteria provided, single submitter. Criteria: ACMG Guidelines, 2015. Collection method: not provided. Allele origin: germline. Inheritance: Autosomal dominant inheritance. Affected: yes.